The following is an entry in ClinVar:

ClinVar aggregate classification (germline): Uncertain significance (1 of 4 stars; one submission).

Conditions:
Compton-North congenital myopathy (CMYO12). Identifiers: Orphanet 210163, MedGen C2675527, MONDO:0012929, OMIM 612540.

Submission:

Labcorp Genetics (formerly Invitae), Labcorp
Classification: Uncertain significance for Compton-North congenital myopathy. Last evaluated: 2022-06-10. Review status: criteria provided, single submitter. Criteria: Invitae Variant Classification Sherloc (09022015). Collection method: clinical testing. Allele origin: germline.
Comment: This sequence change replaces glutamine, which is neutral and polar, with arginine, which is basic and polar, at codon 257 of the CNTN1 protein (p.Gln257Arg). In summary, the available evidence is currently insufficient to determine the role of this variant in disease. Therefore, it has been classified as a Variant of Uncertain Significance. Advanced modeling of protein sequence and biophysical properties (such as structural, functional, and spatial information, amino acid conservation, physicochemical variation, residue mobility, and thermodynamic stability) performed at Invitae indicates that this missense variant is not expected to disrupt CNTN1 protein function. This variant has not been reported in the literature in individuals affected with CNTN1-related conditions. This variant is not present in population databases (gnomAD no frequency).

NM_001843.4(CNTN1):c.770A>G (p.Gln257Arg)

Gene: CNTN1 (contactin 1; plus strand). Cytogenetic location: 12q12.
Variant type: single nucleotide variant.
Coding change: c.770A>G on transcript NM_001843.4 (MANE Select); coding-DNA position 770, A replaced by G.
Protein change: p.Gln257Arg; replaces glutamine 257 with arginine.
Molecular consequence: missense variant.
Genome position (GRCh38, 1-based): chr12:40,933,527, A>G. VCF-style: chr12-40933527-A-G. GRCh37 (hg19) VCF-style: chr12-41327329-A-G.
Other names: c.770A>G, p.Gln257Arg (NM_001256063.2, NM_001256064.2); c.737A>G, p.Gln246Arg (NM_175038.2); short protein forms Q246R, Q257R.
Identifiers: ClinVar variation 2004509 (VCV002004509.4), dbSNP rs2499433145, ClinGen allele CA384423060.